The following is an entry in ClinVar:

NM_001080467.3(MYO5B):c.4612-10C>G

Genes: MYO5B (myosin VB; minus strand), SNHG22 (small nucleolar RNA host gene 22; plus strand). Cytogenetic location: 18q21.1.
Variant type: single nucleotide variant.
Coding change: c.4612-10C>G on transcript NM_001080467.3 (MANE Select); 10 bases into the intron before coding-DNA position 4612, C replaced by G.
Molecular consequence: intron variant.
Genome position (GRCh38, 1-based): chr18:49,841,464, G>C on the plus strand (C>G on the coding strand, the complement: MYO5B is on the minus strand). VCF-style: chr18-49841464-G-C. GRCh37 (hg19) VCF-style: chr18-47367834-G-C.
Identifiers: ClinVar variation 3061741 (VCV003061741.3), dbSNP rs377467818, ClinGen allele CA629557277.

ClinVar aggregate classification (germline): Likely benign. Review status: criteria provided, single submitter (1 of 4 stars). 2 submissions from 2 submitters: Likely benign (1). 1 of the submissions does not count toward it. Last evaluated 2025-10-08.

Conditions:
MYO5B-related disorder. Also called: MYO5B-related condition.

gnomAD v4.1: 4 of 1,612,700 alleles (0.00025%); highest among the groups gnomAD compares: Admixed American, 0.0017%; no homozygotes.

Submissions (2):

Labcorp Genetics (formerly Invitae), Labcorp
Classification: Likely benign. Last evaluated: 2025-10-08. Review status: criteria provided, single submitter. Criteria: Invitae Variant Classification Sherloc (09022015). Collection method: clinical testing. Allele origin: germline.

PreventionGenetics, part of Exact Sciences
Classification: Likely benign for MYO5B-related condition. Last evaluated: 2023-01-12. Review status: no assertion criteria provided. Collection method: clinical testing. Allele origin: germline. Not counted in ClinVar's aggregate classification.
Comment: This variant is classified as likely benign based on ACMG/AMP sequence variant interpretation guidelines (Richards et al. 2015 PMID: 25741868, with internal and published modifications).